The following is an entry in ClinVar:

NM_012330.4(KAT6B):c.3021+3A>T

Gene: KAT6B (lysine acetyltransferase 6B; plus strand). Cytogenetic location: 10q22.2.
Variant type: single nucleotide variant.
Coding change: c.3021+3A>T on transcript NM_012330.4 (MANE Select); 3 bases into the intron after coding-DNA position 3021, A replaced by T.
Molecular consequence: intron variant.
Genome position (GRCh38, 1-based): chr10:75,021,288, A>T. VCF-style: chr10-75021288-A-T. GRCh37 (hg19) VCF-style: chr10-76781046-A-T.
Other names: c.2145+3A>T (NM_001370139.1, NM_001370140.1, NM_001370141.1 and 2 more transcripts); c.3021+3A>T (NM_001370136.1, NM_001370137.1); c.2472+3A>T (NM_001370138.1, NM_001256468.2); c.1332+3A>T (NM_001370133.1); c.936+3A>T (NM_001370134.1); c.1956+3A>T (NM_001370143.1, NM_001370144.1); c.1983+3A>T (NM_001370132.1); c.678+3A>T (NM_001370135.1).
Identifiers: ClinVar variation 4726947 (VCV004726947.1).
Genomic context (GRCh38, chr10:75,021,288, plus strand): 5'-CCCAATTTTAATTTCTAATGCTGCAGTGTCTGAAGAAGAGCGAGAAGCTGAGAAAGAGGT[A>T]ATGATTGTCTTTATCATCCTAAGTTGTGTAACTTCAATCTTGTAGCATTCTTAAGCTAAG-3'

ClinVar aggregate classification (germline): Uncertain significance (1 of 4 stars; one submission).

Conditions:
Genitopatellar syndrome (GTPTS). Also called: ABSENT PATELLAE, SCROTAL HYPOPLASIA, RENAL ANOMALIES, FACIAL DYSMORPHISM, AND MENTAL RETARDATION; Genitopatellar syndrome (GPS). Identifiers: Orphanet 85201, MedGen C1853566, MONDO:0011640, OMIM 606170.

Submission:

Labcorp Genetics (formerly Invitae), Labcorp
Classification: Uncertain significance for Genitopatellar syndrome. Last evaluated: 2025-09-10. Review status: criteria provided, single submitter. Criteria: Invitae Variant Classification Sherloc (09022015). Collection method: clinical testing. Allele origin: germline.
Comment: This sequence change falls in intron 15 of the KAT6B gene. It does not directly change the encoded amino acid sequence of the KAT6B protein. It affects a nucleotide within the consensus splice site. This variant is not present in population databases (gnomAD no frequency). This variant has not been reported in the literature in individuals affected with KAT6B-related conditions. Variants that disrupt the consensus splice site are a relatively common cause of aberrant splicing (PMID: 17576681, 9536098). Algorithms developed to predict the effect of sequence changes on RNA splicing suggest that this variant is not likely to affect RNA splicing. In summary, the available evidence is currently insufficient to determine the role of this variant in disease. Therefore, it has been classified as a Variant of Uncertain Significance.

Literature cited by the submitters: PubMed 17576681; PubMed 9536098.